The following is an entry in ClinVar:

NM_000722.4(CACNA2D1):c.2881A>G (p.Ser961Gly)

Gene: CACNA2D1 (calcium voltage-gated channel auxiliary subunit alpha2delta 1; minus strand). Cytogenetic location: 7q21.11.
Variant type: single nucleotide variant.
Coding change: c.2881A>G on transcript NM_000722.4 (MANE Select); coding-DNA position 2881, A replaced by G.
Protein change: p.Ser961Gly; replaces serine 961 with glycine.
Molecular consequence: missense variant.
Genome position (GRCh38, 1-based): chr7:81,961,979, T>C on the plus strand (A>G on the coding strand, the complement: CACNA2D1 is on the minus strand). VCF-style: chr7-81961979-T-C. GRCh37 (hg19) VCF-style: chr7-81591295-T-C.
Other names: c.2917A>G, p.Ser973Gly (NM_001366867.1); c.2881A>G (NM_000722.2); short protein forms S961G, S973G.
Identifiers: ClinVar variation 1415479 (VCV001415479.7), dbSNP rs750969626, ClinGen allele CA4317447.

ClinVar aggregate classification (germline): Uncertain significance. Review status: criteria provided, multiple submitters, no conflicts (2 of 4 stars). 2 submissions from 2 submitters: Uncertain significance (2). Last evaluated 2023-11-02.

Conditions:
Cardiovascular phenotype. Identifiers: MedGen CN230736.
Brugada syndrome. Also called: Sudden Unexplained Death Syndrome; Sudden unexpected nocturnal death syndrome; Sudden unexplained nocturnal death syndrome; Sudden Unexplained Nocturnal Death Syndrome (SUNDS). Identifiers: Orphanet 130, MedGen C1142166, MONDO:0015263.

Allele frequency attached by ClinVar (database versions not stated): ExAC 0.00001; gnomAD exomes 0.00002 and below 0.00001.
gnomAD v4.1: 21 of 1,612,440 alleles (0.0013%); highest among the groups gnomAD compares: Non-Finnish European, 0.0018%; no homozygotes.

Submissions (2):

Ambry Genetics
Classification: Uncertain significance for Cardiovascular phenotype. Last evaluated: 2023-11-02. Review status: criteria provided, single submitter. Criteria: Ambry Variant Classification Scheme 2023. Collection method: clinical testing. Allele origin: germline.
Comment: The p.S961G variant (also known as c.2881A>G), located in coding exon 36 of the CACNA2D1 gene, results from an A to G substitution at nucleotide position 2881. The serine at codon 961 is replaced by glycine, an amino acid with similar properties. This amino acid position is conserved. In addition, the in silico prediction for this alteration is inconclusive. Since supporting evidence is limited at this time, the clinical significance of this alteration remains unclear.

Labcorp Genetics (formerly Invitae), Labcorp
Classification: Uncertain significance for Brugada syndrome. Last evaluated: 2021-11-24. Review status: criteria provided, single submitter. Criteria: Invitae Variant Classification Sherloc (09022015). Collection method: clinical testing. Allele origin: germline.
Comment: In summary, the available evidence is currently insufficient to determine the role of this variant in disease. Therefore, it has been classified as a Variant of Uncertain Significance. Algorithms developed to predict the effect of missense changes on protein structure and function are either unavailable or do not agree on the potential impact of this missense change (SIFT: "Tolerated"; PolyPhen-2: "Not Available"; Align-GVGD: "Class C0"). This variant has not been reported in the literature in individuals affected with CACNA2D1-related conditions. This variant is present in population databases (rs750969626, gnomAD 0.0009%). This sequence change replaces serine, which is neutral and polar, with glycine, which is neutral and non-polar, at codon 961 of the CACNA2D1 protein (p.Ser961Gly).